The following is an entry in ClinVar:

NM_000059.4(BRCA2):c.9493dup (p.Thr3165fs)

Gene: BRCA2 (BRCA2 DNA repair associated; plus strand). Cytogenetic location: 13q13.1.
Variant type: Duplication.
Coding change: c.9493dup on transcript NM_000059.4 (MANE Select); coding-DNA position 9493, one base duplicated (A; older notation c.9493dupA).
Protein change: p.Thr3165fs; shifts the reading frame from threonine 3165.
Molecular consequence: frameshift variant.
Genome position (GRCh38, 1-based): chr13:32,394,925, A duplicated. VCF-style (leftmost placement, unchanged base first): chr13-32394924-T-TA. GRCh37 (hg19) VCF-style: chr13-32969061-T-TA.
Other names: c.9397dup, p.Thr3133Asnfs (NM_001406719.1); c.9442dup, p.Thr3148Asnfs (NM_001406720.1); c.4561dup, p.Thr1521Asnfs (NM_001406721.1); c.3076dup, p.Thr1026Asnfs (NM_001406722.1); c.9493dupA (NM_000059.3); short protein forms T3165fs.
Identifiers: ClinVar variation 1767132 (VCV001767132.2), dbSNP rs2548562544, ClinGen allele CA2580087387.

ClinVar aggregate classification (germline): Pathogenic (1 of 4 stars; one submission).

Conditions:
Hereditary cancer-predisposing syndrome. Also called: Hereditary Cancer Syndrome; Hereditary neoplastic syndrome; Neoplastic Syndromes, Hereditary; Tumor predisposition. Identifiers: Orphanet 140162, MedGen C0027672, MeSH D009386, MONDO:0015356.

Submission:

Ambry Genetics
Classification: Pathogenic for Hereditary cancer-predisposing syndrome. Last evaluated: 2021-02-25. Review status: criteria provided, single submitter. Criteria: Ambry Variant Classification Scheme 2023. Collection method: clinical testing. Allele origin: germline.
Comment: The c.9493dupA pathogenic mutation, located in coding exon 24 of the BRCA2 gene, results from a duplication of A at nucleotide position 9493, causing a translational frameshift with a predicted alternate stop codon (p.T3165Nfs*3). This alteration is expected to result in loss of function by premature protein truncation or nonsense-mediated mRNA decay. As such, this alteration is interpreted as a disease-causing mutation.